The following is an entry in ClinVar:

NM_000038.6(APC):c.1296C>G (p.Asp432Glu)

Gene: APC (APC regulator of Wnt signaling pathway; plus strand). Cytogenetic location: 5q22.2.
Variant type: single nucleotide variant.
Coding change: c.1296C>G on transcript NM_000038.6 (MANE Select); coding-DNA position 1296, C replaced by G.
Protein change: p.Asp432Glu; replaces aspartic acid 432 with glutamic acid.
Molecular consequence: missense variant. On other transcripts: non-coding transcript variant (2).
Genome position (GRCh38, 1-based): chr5:112,819,328, C>G. VCF-style: chr5-112819328-C-G. GRCh37 (hg19) VCF-style: chr5-112155025-C-G.
Other names: c.1296C>G, p.Asp432Glu (NM_001127510.3, NM_001354895.2, NM_001354896.2 and 4 more transcripts); c.1242C>G, p.Asp414Glu (NM_001127511.3); c.1326C>G, p.Asp442Glu (NM_001354897.2, NM_001407446.1); c.1221C>G, p.Asp407Glu (NM_001354898.2, NM_001407451.1); c.1212C>G, p.Asp404Glu (NM_001354899.2, NM_001407452.1); c.1119C>G, p.Asp373Glu (NM_001354900.2, NM_001354901.2, NM_001407453.1); c.1023C>G, p.Asp341Glu (NM_001354902.2); c.993C>G, p.Asp331Glu (NM_001354903.2, NM_001407454.1, NM_001407455.1 and 5 more transcripts); and 5 more; short protein forms D149E, D303E, D341E, D404E, D331E, D306E, D373E, D414E.
Identifiers: ClinVar variation 3697810 (VCV003697810.2).
Genomic context (GRCh38, chr5:112,819,328, plus strand): 5'-GATACGCGCTTACTGTGAAACCTGTTGGGAGTGGCAGGAAGCTCATGAACCAGGCATGGA[C>G]CAGGACAAAAATCCAAGTATGTTCTCTATAGTGTACATCGTAGTGCATGTTTCAAAGCAA-3'
Protein context (NP_000029.2, residues 422-442): EWQEAHEPGM[Asp432Glu]QDKNPMPAPV

ClinVar aggregate classification (germline): Uncertain significance (1 of 4 stars; one submission).

Conditions:
Familial adenomatous polyposis 1 (FAP1). Also called: FAMILIAL ADENOMATOUS POLYPOSIS 1, ATTENUATED; POLYPOSIS, ADENOMATOUS INTESTINAL. Identifiers: MedGen C2713442, MONDO:0021056, OMIM 175100. Disease mechanism: loss of function.

Submission:

Labcorp Genetics (formerly Invitae), Labcorp
Classification: Uncertain significance for Familial adenomatous polyposis 1. Last evaluated: 2024-03-05. Review status: criteria provided, single submitter. Criteria: Invitae Variant Classification Sherloc (09022015). Collection method: clinical testing. Allele origin: germline.
Comment: This sequence change replaces aspartic acid, which is acidic and polar, with glutamic acid, which is acidic and polar, at codon 432 of the APC protein (p.Asp432Glu). This variant is not present in population databases (gnomAD no frequency). This variant has not been reported in the literature in individuals affected with APC-related conditions. Advanced modeling of protein sequence and biophysical properties (such as structural, functional, and spatial information, amino acid conservation, physicochemical variation, residue mobility, and thermodynamic stability) performed at Invitae indicates that this missense variant is not expected to disrupt APC protein function with a negative predictive value of 95%. In summary, the available evidence is currently insufficient to determine the role of this variant in disease. Therefore, it has been classified as a Variant of Uncertain Significance.